The following is an entry in ClinVar:

NM_002234.4(KCNA5):c.*736A>T

Gene: KCNA5 (potassium voltage-gated channel subfamily A member 5; plus strand). Cytogenetic location: 12p13.32.
Variant type: single nucleotide variant.
Coding change: c.*736A>T on transcript NM_002234.4 (MANE Select); 736 bases downstream of the stop codon, A replaced by T.
Molecular consequence: 3 prime UTR variant.
Genome position (GRCh38, 1-based): chr12:5,046,725, A>T. VCF-style: chr12-5046725-A-T. GRCh37 (hg19) VCF-style: chr12-5155891-A-T.
Identifiers: ClinVar variation 309343 (VCV000309343.5), dbSNP rs66942317, ClinGen allele CA10641644.

ClinVar aggregate classification (germline): Benign (1 of 4 stars; one submission).

Conditions:
Atrial fibrillation, familial, 7 (ATFB7). Identifiers: MedGen C2677106, MONDO:0012828, OMIM 612240.

Allele frequency attached by ClinVar (database versions not stated): gnomAD 0.02611 and 0.02811; TOPMed 0.03026; 1000 Genomes Project 0.03115; 1000 Genomes Project 30x 0.03248.

Submission:

Illumina Laboratory Services, Illumina
Classification: Benign for Atrial fibrillation, familial, 7. Last evaluated: 2018-01-12. Review status: criteria provided, single submitter. Criteria: ICSL Variant Classification Criteria 13 December 2019. Collection method: clinical testing. Allele origin: germline.
Comment: This variant was observed in the ICSL laboratory as part of a predisposition screen in an ostensibly healthy population. It had not been previously curated by ICSL or reported in the Human Gene Mutation Database (HGMD: prior to June 1st, 2018), and was therefore a candidate for classification through an automated scoring system. Utilizing variant allele frequency, disease prevalence and penetrance estimates, and inheritance mode, an automated score was calculated to assess if this variant is too frequent to cause the disease. Based on the score and internal cut-off values, a variant classified as benign is not then subjected to further curation. The score for this variant resulted in a classification of benign for this disease.